The following is an entry in ClinVar:

ClinVar aggregate classification (germline): Uncertain significance. Review status: criteria provided, multiple submitters, no conflicts (2 of 4 stars). 2 submissions from 2 submitters: Uncertain significance (2). Last evaluated 2026-06-16.

Conditions:
Hereditary sensory and autonomic neuropathy type 1 (HSAN1). Also called: HSAN 1; HSN Type I; Hereditary Sensory Neuropathy Type I. Identifiers: Orphanet 36386, MedGen C0020071, MONDO:0018213.

Allele frequency attached by ClinVar (database versions not stated): TOPMed below 0.00001; gnomAD 0.00001; gnomAD exomes below 0.00001.
gnomAD v4.1: 2 of 1,610,774 alleles (0.00012%); highest among the groups gnomAD compares: Non-Finnish European, 0.00017%; no homozygotes.

Submissions (2):

Women's Health and Genetics/Laboratory Corporation of America, LabCorp
Classification: Uncertain significance. Last evaluated: 2026-06-16. Review status: criteria provided, single submitter. Criteria: LabCorp Variant Classification Summary - May 2015. Collection method: clinical testing. Allele origin: germline.
Comment: Variant summary: SPTLC1 c.350T>A (p.Val117Asp) results in a non-conservative amino acid change in the encoded protein sequence. Algorithms developed to predict the effect of missense changes on protein structure and function all suggest that this variant is likely to be disruptive. The variant was absent in 251312 control chromosomes. The available data on variant occurrences in the general population are insufficient to allow any conclusion about variant significance. To our knowledge, no occurrence of c.350T>A in individuals affected with SPTLC1-related conditions and no experimental evidence demonstrating its impact on protein function have been reported. ClinVar contains an entry for this variant (Variation ID: 2731046). Based on the evidence outlined above, the variant was classified as uncertain significance.

Labcorp Genetics (formerly Invitae), Labcorp
Classification: Uncertain significance for Hereditary sensory and autonomic neuropathy type 1. Last evaluated: 2022-11-04. Review status: criteria provided, single submitter. Criteria: Invitae Variant Classification Sherloc (09022015). Collection method: clinical testing. Allele origin: germline.
Comment: This sequence change replaces valine, which is neutral and non-polar, with aspartic acid, which is acidic and polar, at codon 117 of the SPTLC1 protein (p.Val117Asp). In summary, the available evidence is currently insufficient to determine the role of this variant in disease. Therefore, it has been classified as a Variant of Uncertain Significance. Advanced modeling of protein sequence and biophysical properties (such as structural, functional, and spatial information, amino acid conservation, physicochemical variation, residue mobility, and thermodynamic stability) performed at Invitae indicates that this missense variant is not expected to disrupt SPTLC1 protein function. This variant has not been reported in the literature in individuals affected with SPTLC1-related conditions. This variant is not present in population databases (gnomAD no frequency).

NM_006415.4(SPTLC1):c.350T>A (p.Val117Asp)

Gene: SPTLC1 (serine palmitoyltransferase long chain base subunit 1; minus strand). Cytogenetic location: 9q22.31.
Variant type: single nucleotide variant.
Coding change: c.350T>A on transcript NM_006415.4 (MANE Select); coding-DNA position 350, T replaced by A.
Protein change: p.Val117Asp; replaces valine 117 with aspartic acid.
Molecular consequence: missense variant. On other transcripts: 5 prime UTR variant (2).
Genome position (GRCh38, 1-based): chr9:92,080,874, A>T on the plus strand (T>A on the coding strand, the complement: SPTLC1 is on the minus strand). VCF-style: chr9-92080874-A-T. GRCh37 (hg19) VCF-style: chr9-94843156-A-T.
Other names: c.350T>A, p.Val117Asp (NM_001281303.2, NM_178324.3); c.-150T>A (NM_001368272.1); c.-116T>A (NM_001368273.1); short protein forms V117D.
Identifiers: ClinVar variation 2731046 (VCV002731046.4), dbSNP rs1834856605, ClinGen allele CA373788602.